The following is an entry in ClinVar:

ClinVar aggregate classification (germline): Conflicting classifications of pathogenicity. Review status: criteria provided, conflicting classifications (1 of 4 stars). 4 submissions from 4 submitters: Uncertain significance (2); Likely benign (1). 1 of the submissions does not count toward it. Last evaluated 2024-12-05.

Conditions:
Cohen syndrome (COH1). Also called: PEPPER SYNDROME; Cutis verticis gyrata, retinitis pigmentosa, and sensorineural deafness. Identifiers: Orphanet 193, MedGen C0265223, MONDO:0008999, OMIM 216550.

Allele frequency attached by ClinVar (database versions not stated): ExAC 0.00002; gnomAD exomes 0.00002; gnomAD 0.00003 and 0.00004; TOPMed 0.00005.
gnomAD v4.1: 31 of 1,608,674 alleles (0.0019%); highest among the groups gnomAD compares: African/African-American, 0.0081%; no homozygotes.

Submissions (4):

Labcorp Genetics (formerly Invitae), Labcorp
Classification: Uncertain significance for Cohen syndrome. Last evaluated: 2024-12-05. Review status: criteria provided, single submitter. Criteria: Invitae Variant Classification Sherloc (09022015). Collection method: clinical testing. Allele origin: germline.
Comment: This sequence change affects codon 941 of the VPS13B mRNA. It is a 'silent' change, meaning that it does not change the encoded amino acid sequence of the VPS13B protein. It affects a nucleotide within the consensus splice site. This variant is present in population databases (rs199881514, gnomAD 0.008%). This variant has not been reported in the literature in individuals affected with VPS13B-related conditions. ClinVar contains an entry for this variant (Variation ID: 361050). Algorithms developed to predict the effect of sequence changes on RNA splicing suggest that this variant is not likely to affect RNA splicing. In summary, the available evidence is currently insufficient to determine the role of this variant in disease. Therefore, it has been classified as a Variant of Uncertain Significance.

Blueprint Genetics
Classification: Likely benign. Last evaluated: 2024-10-09. Review status: criteria provided, single submitter. Criteria: ACMG Guidelines, 2015. Collection method: clinical testing. Allele origin: germline.

Illumina Laboratory Services, Illumina
Classification: Uncertain significance for Cohen syndrome. Last evaluated: 2018-01-13. Review status: criteria provided, single submitter. Criteria: ICSL Variant Classification Criteria 13 December 2019. Collection method: clinical testing. Allele origin: germline.

Natera, Inc.
Classification: Uncertain significance for Cohen syndrome. Last evaluated: 2019-11-11. Review status: no assertion criteria provided. Collection method: clinical testing. Allele origin: germline. Not counted in ClinVar's aggregate classification.

NM_152564.5(VPS13B):c.2823C>T (p.Ser941=)

Gene: VPS13B (vacuolar protein sorting 13 homolog B; plus strand). Cytogenetic location: 8q22.2.
Variant type: single nucleotide variant.
Coding change: c.2823C>T on transcript NM_152564.5 (MANE Select); coding-DNA position 2823, C replaced by T.
Protein change: p.Ser941=; no amino-acid change (serine 941 retained).
Molecular consequence: synonymous variant.
Genome position (GRCh38, 1-based): chr8:99,275,253, C>T. VCF-style: chr8-99275253-C-T. GRCh37 (hg19) VCF-style: chr8-100287481-C-T.
Other names: c.2823C>T, p.Ser941= (NM_017890.5).
Identifiers: ClinVar variation 361050 (VCV000361050.12), dbSNP rs199881514, ClinGen allele CA4823026.